The following is an entry in ClinVar:

ClinVar aggregate classification (germline): Likely benign (1 of 4 stars; one submission).

Conditions:
FBXO31-related disorder. Also called: FBXO31-related condition.

gnomAD v4.1: 59 of 1,210,364 alleles (0.0049%); highest among the groups gnomAD compares: Admixed American, 0.031%; 1 homozygote.

Submission:

PreventionGenetics, part of Exact Sciences
Classification: Likely benign for FBXO31-related condition. Last evaluated: 2026-03-06. Review status: criteria provided, single submitter. Criteria: ACMG Guidelines, 2015. Collection method: clinical testing. Allele origin: germline.
Comment: This variant is classified as likely benign based on ACMG/AMP sequence variant interpretation guidelines (Richards et al. 2015 PMID: 25741868, with internal and published modifications).

NM_024735.5(FBXO31):c.-1C>T

Gene: FBXO31 (F-box protein 31; minus strand). Cytogenetic location: 16q24.2.
Variant type: single nucleotide variant.
Coding change: c.-1C>T on transcript NM_024735.5 (MANE Select); 1 bases upstream of the start codon, C replaced by T.
Molecular consequence: 5 prime UTR variant. On other transcripts: intron variant (1).
Genome position (GRCh38, 1-based): chr16:87,383,745, G>A on the plus strand (C>T on the coding strand, the complement: FBXO31 is on the minus strand). VCF-style: chr16-87383745-G-A. GRCh37 (hg19) VCF-style: chr16-87417351-G-A.
Other names: c.-177+5992C>T (NM_001282683.2).
Identifiers: ClinVar variation 5000417 (VCV005000417.1).